The following is an entry in ClinVar:

NM_015662.3(IFT172):c.4210G>A (p.Gly1404Ser)

Gene: IFT172 (intraflagellar transport 172; minus strand). Cytogenetic location: 2p23.3.
Variant type: single nucleotide variant.
Coding change: c.4210G>A on transcript NM_015662.3 (MANE Select); coding-DNA position 4210, G replaced by A.
Protein change: p.Gly1404Ser; replaces glycine 1404 with serine.
Molecular consequence: missense variant.
Genome position (GRCh38, 1-based): chr2:27,449,513, C>T on the plus strand (G>A on the coding strand, the complement: IFT172 is on the minus strand). VCF-style: chr2-27449513-C-T. GRCh37 (hg19) VCF-style: chr2-27672380-C-T.
Other names: c.4210G>A (NM_015662.1); short protein forms G1404S.
Identifiers: ClinVar variation 864375 (VCV000864375.10), dbSNP rs763238244, ClinGen allele CA1579688.

ClinVar aggregate classification (germline): Uncertain significance. Review status: criteria provided, multiple submitters, no conflicts (2 of 4 stars). 4 submissions from 4 submitters: Uncertain significance (3). 1 of the submissions does not count toward it. Last evaluated 2025-08-28.

Conditions:
Inborn genetic diseases. Identifiers: MedGen C0950123, MeSH D030342.
Retinitis pigmentosa 71 (RP71). Identifiers: Orphanet 791, MedGen C4225342, MONDO:0014618, OMIM 616394.
Bardet-Biedl syndrome 20. Identifiers: MedGen C4310707, MONDO:0023670, OMIM 619471, MONDO:0014926.
Short-rib thoracic dysplasia 10 with or without polydactyly (SRTD10). Identifiers: Orphanet 474, MedGen C3810175, MONDO:0014284, OMIM 615630.
IFT172-related disorder. Also called: IFT172-related disorders; IFT172-related condition.

Allele frequency attached by ClinVar (database versions not stated): ExAC 0.00001; gnomAD 0.00009 and 0.00007; gnomAD exomes 0.00001; TOPMed 0.00018.
gnomAD v4.1: 20 of 1,614,056 alleles (0.0012%); highest among the groups gnomAD compares: Admixed American, 0.02%; no homozygotes.

Submissions (4):

Ambry Genetics
Classification: Uncertain significance for Inborn genetic diseases. Last evaluated: 2025-08-28. Review status: criteria provided, single submitter. Criteria: Ambry Variant Classification Scheme 2023. Collection method: clinical testing. Allele origin: germline.

Labcorp Genetics (formerly Invitae), Labcorp
Classification: Uncertain significance for Retinitis pigmentosa 71; Short-rib thoracic dysplasia 10 with or without polydactyly. Last evaluated: 2022-10-04. Review status: criteria provided, single submitter. Criteria: Invitae Variant Classification Sherloc (09022015). Collection method: clinical testing. Allele origin: germline.
Comment: This sequence change replaces glycine, which is neutral and non-polar, with serine, which is neutral and polar, at codon 1404 of the IFT172 protein (p.Gly1404Ser). This variant is present in population databases (rs763238244, gnomAD 0.009%). This variant has not been reported in the literature in individuals affected with IFT172-related conditions. ClinVar contains an entry for this variant (Variation ID: 864375). Advanced modeling of protein sequence and biophysical properties (such as structural, functional, and spatial information, amino acid conservation, physicochemical variation, residue mobility, and thermodynamic stability) performed at Invitae indicates that this missense variant is expected to disrupt IFT172 protein function. In summary, the available evidence is currently insufficient to determine the role of this variant in disease. Therefore, it has been classified as a Variant of Uncertain Significance.

Fulgent Genetics
Classification: Uncertain significance for Short-rib thoracic dysplasia 10 with or without polydactyly; Retinitis pigmentosa 71; Bardet-Biedl syndrome 20. Last evaluated: 2022-03-14. Review status: criteria provided, single submitter. Criteria: ACMG Guidelines, 2015. Collection method: clinical testing. Allele origin: unknown.

PreventionGenetics, part of Exact Sciences
Classification: Uncertain significance for IFT172-related condition. Last evaluated: 2024-04-30. Review status: no assertion criteria provided. Collection method: clinical testing. Allele origin: germline. Not counted in ClinVar's aggregate classification.
Comment: The IFT172 c.4210G>A variant is predicted to result in the amino acid substitution p.Gly1404Ser. To our knowledge, this variant has not been reported in the literature. This variant is reported in 0.0085% of alleles in individuals of Latino descent in gnomAD. At this time, the clinical significance of this variant is uncertain due to the absence of conclusive functional and genetic evidence.